The following is an entry in ClinVar:

ClinVar aggregate classification (germline): Conflicting classifications of pathogenicity. Review status: criteria provided, conflicting classifications (1 of 4 stars). 2 submissions from 2 submitters: Uncertain significance (1); Likely benign (1). Last evaluated 2025-09-05.

Allele frequency attached by ClinVar (database versions not stated): gnomAD exomes 0.00050; ExAC 0.00110; 1000 Genomes Project 0.00200; 1000 Genomes Project 30x 0.00250; gnomAD 0.00270; TOPMed 0.00326; ESP Exome Variant Server 0.00416.
gnomAD v4.1: 1,150 of 1,551,734 alleles (0.074%); highest among the groups gnomAD compares: African/African-American, 0.91%; 4 homozygotes.

Submissions (2):

Ambry Genetics
Classification: Uncertain significance. Last evaluated: 2025-09-05. Review status: criteria provided, single submitter. Criteria: Ambry Variant Classification Scheme 2023. Collection method: clinical testing. Allele origin: germline.

CeGaT Center for Human Genetics Tuebingen
Classification: Likely benign. Last evaluated: 2022-07-01. Review status: criteria provided, single submitter. Criteria: CeGaT Center For Human Genetics Tuebingen Variant Classification Criteria Version 2. Collection method: clinical testing. Allele origin: germline. Affected: yes. Observed: 1 variant allele.
Comment: KLHL33: BP4

NM_001365790.2(KLHL33):c.2219G>A (p.Arg740His)

Gene: KLHL33 (kelch like family member 33; minus strand). Cytogenetic location: 14q11.2.
Variant type: single nucleotide variant.
Coding change: c.2219G>A on transcript NM_001365790.2 (MANE Select); coding-DNA position 2219, G replaced by A.
Protein change: p.Arg740His; replaces arginine 740 with histidine.
Molecular consequence: missense variant.
Genome position (GRCh38, 1-based): chr14:20,429,024, C>T on the plus strand (G>A on the coding strand, the complement: KLHL33 is on the minus strand). VCF-style: chr14-20429024-C-T. GRCh37 (hg19) VCF-style: chr14-20897183-C-T.
Other names: c.1427G>A (NM_001109997.2); c.1427G>A, p.Arg476His (NM_001109997.3); short protein forms R476H, R740H.
Identifiers: ClinVar variation 2644049 (VCV002644049.25), dbSNP rs188099735, ClinGen allele CA7080834.
Genomic context (GRCh38, chr14:20,429,024, plus strand): 5'-CAGAGCCATCGGCCCAGGCCAGGACAGTAGGCATGGATAAGGTGAGAGAGGGCATAAGTA[C>T]GGTGACTGTAGCCCCCGAGCACCAGTAGCTCCCCCTGCAGCACAGCACTTGCAGCCCCCA-3'
Protein context (NP_001352719.1, residues 730-750): ELLVLGGYSH[Arg740His]TYALSHLIHA